The following is an entry in ClinVar:

ClinVar aggregate classification (germline): Uncertain significance (1 of 4 stars; one submission).

Conditions:
Cohen syndrome (COH1). Also called: PEPPER SYNDROME; Cutis verticis gyrata, retinitis pigmentosa, and sensorineural deafness. Identifiers: Orphanet 193, MedGen C0265223, MONDO:0008999, OMIM 216550.

Allele frequency attached by ClinVar (database versions not stated): ExAC 0.00001.
gnomAD v4.1: 7 of 1,614,110 alleles (0.00043%); highest among the groups gnomAD compares: South Asian, 0.0044%; no homozygotes.

Submission:

Labcorp Genetics (formerly Invitae), Labcorp
Classification: Uncertain significance for Cohen syndrome. Last evaluated: 2025-07-29. Review status: criteria provided, single submitter. Criteria: Invitae Variant Classification Sherloc (09022015). Collection method: clinical testing. Allele origin: germline.
Comment: This sequence change replaces proline, which is neutral and non-polar, with serine, which is neutral and polar, at codon 3986 of the VPS13B protein (p.Pro3986Ser). This variant is present in population databases (rs762256695, gnomAD 0.003%). This variant has not been reported in the literature in individuals affected with VPS13B-related conditions. ClinVar contains an entry for this variant (Variation ID: 2158375). Invitae Evidence Modeling of protein sequence and biophysical properties (such as structural, functional, and spatial information, amino acid conservation, physicochemical variation, residue mobility, and thermodynamic stability) has been performed for this missense variant. However, the output from this modeling did not meet the statistical confidence thresholds required to predict the impact of this variant on VPS13B protein function. In summary, the available evidence is currently insufficient to determine the role of this variant in disease. Therefore, it has been classified as a Variant of Uncertain Significance.

NM_152564.5(VPS13B):c.11881C>T (p.Pro3961Ser)

Gene: VPS13B (vacuolar protein sorting 13 homolog B; plus strand). Cytogenetic location: 8q22.2.
Variant type: single nucleotide variant.
Coding change: c.11881C>T on transcript NM_152564.5 (MANE Select); coding-DNA position 11881, C replaced by T.
Protein change: p.Pro3961Ser; replaces proline 3961 with serine.
Molecular consequence: missense variant.
Genome position (GRCh38, 1-based): chr8:99,875,553, C>T. VCF-style: chr8-99875553-C-T. GRCh37 (hg19) VCF-style: chr8-100887781-C-T.
Other names: c.11956C>T, p.Pro3986Ser (NM_017890.5); short protein forms P3986S, P3961S.
Identifiers: ClinVar variation 2158375 (VCV002158375.3), dbSNP rs762256695, ClinGen allele CA4825361.